The following is an entry in ClinVar:

NM_002161.6(IARS1):c.1456G>A (p.Glu486Lys)

Gene: IARS1 (isoleucyl-tRNA synthetase 1; minus strand). Cytogenetic location: 9q22.31.
Variant type: single nucleotide variant.
Coding change: c.1456G>A on transcript NM_002161.6 (MANE Select); coding-DNA position 1456, G replaced by A.
Protein change: p.Glu486Lys; replaces glutamic acid 486 with lysine.
Molecular consequence: missense variant. On other transcripts: non-coding transcript variant (1).
Genome position (GRCh38, 1-based): chr9:92,265,529, C>T on the plus strand (G>A on the coding strand, the complement: IARS1 is on the minus strand). VCF-style: chr9-92265529-C-T. GRCh37 (hg19) VCF-style: chr9-95027811-C-T.
Other names: c.1456G>A, p.Glu486Lys (NM_001374299.1, NM_001374300.1, NM_001374301.1 and 14 more transcripts); c.1519G>A, p.Glu507Lys (NM_001378569.1); c.1477G>A, p.Glu493Lys (NM_001378571.1); c.1333G>A, p.Glu445Lys (NM_001378583.1); short protein forms E507K, E445K, E486K, E493K.
Identifiers: ClinVar variation 1033897 (VCV001033897.1), dbSNP rs1832164242, ClinGen allele CA373821238.

ClinVar aggregate classification (germline): Uncertain significance (1 of 4 stars; one submission).

Conditions:
Growth retardation, intellectual developmental disorder, hypotonia, and hepatopathy (GRIDHH). Also called: GROWTH RETARDATION, IMPAIRED INTELLECTUAL DEVELOPMENT, HYPOTONIA, AND HEPATOPATHY. Identifiers: Orphanet 541423, MedGen C4310720, MONDO:0014911, OMIM 617093.

Allele frequency attached by ClinVar (database versions not stated): gnomAD exomes below 0.00001.
gnomAD v4.1: 1 of 1,614,098 alleles (0.000062%); highest among the groups gnomAD compares: Non-Finnish European, 0.000085%; no homozygotes.

Submission:

Baylor Genetics
Classification: Uncertain significance for Growth retardation, intellectual developmental disorder, hypotonia, and hepatopathy. Last evaluated: 2018-06-28. Review status: criteria provided, single submitter. Criteria: ACMG Guidelines, 2015. Collection method: clinical testing. Allele origin: paternal. Affected: yes.
Comment: This variant was determined to be of uncertain significance according to ACMG Guidelines, 2015 [PMID:25741868].